The following is an entry in ClinVar:

ClinVar aggregate classification (germline): Likely pathogenic (1 of 4 stars; one submission).

Conditions:
CIROP-related disorder. Also called: CIROP-related condition.

gnomAD v4.1: 6 of 702,896 alleles (0.00085%); highest among the groups gnomAD compares: African/African-American, 0.0052%; no homozygotes.

Submission:

PreventionGenetics, part of Exact Sciences
Classification: Likely pathogenic for CIROP-related condition. Last evaluated: 2025-07-23. Review status: criteria provided, single submitter. Criteria: ACMG Guidelines, 2015. Collection method: clinical testing. Allele origin: germline.
Comment: The CIROP c.187C>T variant is predicted to result in premature protein termination (p.Arg63*). To our knowledge, this variant has not been reported in the literature. This variant is reported in 0.015% of alleles in individuals of African descent in gnomAD. Nonsense variants in CIROP are expected to be pathogenic. This variant is interpreted as likely pathogenic.

NM_001354640.2(CIROP):c.187C>T (p.Arg63Ter)

Gene: CIROP (ciliated left-right organizer metallopeptidase; minus strand). Cytogenetic location: 14q11.2.
Variant type: single nucleotide variant.
Coding change: c.187C>T on transcript NM_001354640.2 (MANE Select); coding-DNA position 187, C replaced by T.
Protein change: p.Arg63Ter; replaces arginine 63 with a stop codon.
Molecular consequence: nonsense.
Genome position (GRCh38, 1-based): chr14:23,104,734, G>A on the plus strand (C>T on the coding strand, the complement: CIROP is on the minus strand). VCF-style: chr14-23104734-G-A. GRCh37 (hg19) VCF-style: chr14-23573943-G-A.
Other names: c.187C>T, p.Arg63Ter (NM_001402427.1); short protein forms R63*.
Identifiers: ClinVar variation 4982256 (VCV004982256.1).
Genomic context (GRCh38, chr14:23,104,734, plus strand): 5'-CTCCCTCAGGATCCCAAGCTCCATCTGATATATGATCTCCTAGATAGCAGCTTTGGATTC[G>A]TAGGGGTTGAGGATCACGGGAGCTAGGGAGGGTGAGGGAGGAAGAGCGAGATTTTGAGGG-3'